The following is an entry in ClinVar:

NM_001379500.1(COL18A1):c.3701T>G (p.Leu1234Arg)

Genes: COL18A1 (collagen type XVIII alpha 1 chain; plus strand), SLC19A1 (solute carrier family 19 member 1; minus strand). Cytogenetic location: 21q22.3.
Variant type: single nucleotide variant.
Coding change: c.3701T>G on transcript NM_001379500.1 (MANE Select); coding-DNA position 3701, T replaced by G.
Protein change: p.Leu1234Arg; replaces leucine 1234 with arginine.
Molecular consequence: missense variant.
Genome position (GRCh38, 1-based): chr21:45,511,118, T>G. VCF-style: chr21-45511118-T-G. GRCh37 (hg19) VCF-style: chr21-46931032-T-G.
Other names: c.4232T>G, p.Leu1411Arg (NM_030582.4); c.4937T>G, p.Leu1646Arg (NM_130444.3); short protein forms L1411R, L1234R, L1646R.
Identifiers: ClinVar variation 1440446 (VCV001440446.5), dbSNP rs961575941, ClinGen allele CA321926707.

ClinVar aggregate classification (germline): Uncertain significance (1 of 4 stars; one submission).

Allele frequency attached by ClinVar (database versions not stated): gnomAD exomes 0.00001; TOPMed 0.00001.

Submission:

Labcorp Genetics (formerly Invitae), Labcorp
Classification: Uncertain significance. Last evaluated: 2025-05-29. Review status: criteria provided, single submitter. Criteria: Invitae Variant Classification Sherloc (09022015). Collection method: clinical testing. Allele origin: germline.
Comment: This sequence change replaces leucine with arginine at codon 1231 of the COL18A1 protein (p.Leu1231Arg). There is a moderate physicochemical difference between leucine and arginine. This variant is present in population databases (no rsID available, gnomAD 0.001%). This variant has not been reported in the literature in individuals affected with COL18A1-related conditions. ClinVar contains an entry for this variant (Variation ID: 1440446). Experimental studies and prediction algorithms are not available or were not evaluated, and the functional significance of this variant is currently unknown. In summary, the available evidence is currently insufficient to determine the role of this variant in disease. Therefore, it has been classified as a Variant of Uncertain Significance.